The following is an entry in ClinVar:

ClinVar aggregate classification (germline): Uncertain significance (1 of 4 stars; one submission).

Conditions:
Nephronophthisis. Also called: Juvenile Nephronophthisis. Identifiers: Orphanet 655, MedGen C0687120, MONDO:0019005, HP:0000090.

Allele frequency attached by ClinVar (database versions not stated): gnomAD exomes below 0.00001.
gnomAD v4.1: 2 of 1,606,746 alleles (0.00012%); highest among the groups gnomAD compares: Non-Finnish European, 0.00017%; no homozygotes.

Submission:

Labcorp Genetics (formerly Invitae), Labcorp
Classification: Uncertain significance for Nephronophthisis. Last evaluated: 2022-07-21. Review status: criteria provided, single submitter. Criteria: Invitae Variant Classification Sherloc (09022015). Collection method: clinical testing. Allele origin: germline.
Comment: Algorithms developed to predict the effect of missense changes on protein structure and function (SIFT, PolyPhen-2, Align-GVGD) all suggest that this variant is likely to be tolerated. In summary, the available evidence is currently insufficient to determine the role of this variant in disease. Therefore, it has been classified as a Variant of Uncertain Significance. This variant has not been reported in the literature in individuals affected with INVS-related conditions. This variant is present in population databases (no rsID available, gnomAD 0.0009%). This sequence change replaces proline, which is neutral and non-polar, with alanine, which is neutral and non-polar, at codon 1065 of the INVS protein (p.Pro1065Ala).

NM_014425.5(INVS):c.3193C>G (p.Pro1065Ala)

Gene: INVS (inversin; plus strand). Cytogenetic location: 9q31.1.
Variant type: single nucleotide variant.
Coding change: c.3193C>G on transcript NM_014425.5 (MANE Select); coding-DNA position 3193, C replaced by G.
Protein change: p.Pro1065Ala; replaces proline 1065 with alanine.
Molecular consequence: missense variant. On other transcripts: non-coding transcript variant (1).
Genome position (GRCh38, 1-based): chr9:100,300,669, C>G. VCF-style: chr9-100300669-C-G. GRCh37 (hg19) VCF-style: chr9-103062951-C-G.
Other names: c.2905C>G, p.Pro969Ala (NM_001318381.2); c.2215C>G, p.Pro739Ala (NM_001318382.2); short protein forms P969A, P739A, P1065A.
Identifiers: ClinVar variation 2165831 (VCV002165831.4), dbSNP rs1389026542, ClinGen allele CA374245862.